The following is an entry in ClinVar:

ClinVar aggregate classification (germline): Uncertain significance (1 of 4 stars; one submission).

Conditions:
Left ventricular noncompaction 8 (LVNC8). Identifiers: Orphanet 154, Orphanet 54260, MedGen C3809288, MONDO:0014152, OMIM 615373.

Submission:

Labcorp Genetics (formerly Invitae), Labcorp
Classification: Uncertain significance for Left ventricular noncompaction 8. Last evaluated: 2023-01-26. Review status: criteria provided, single submitter. Criteria: Invitae Variant Classification Sherloc (09022015). Collection method: clinical testing. Allele origin: unknown.
Comment: This variant results in a copy number gain of the genomic region encompassing exon(s) 2-16 of the PRDM16 gene. While the exact position of this variant cannot be determined from the data, sub-genic copy number gains are generally in tandem (PMID: 25640679). This variant is predicted to be in-frame, and likely preserves the integrity of the reading frame. In summary, the available evidence is currently insufficient to determine the role of this variant in disease. Therefore, it has been classified as a Variant of Uncertain Significance. This variant has not been reported in the literature in individuals affected with PRDM16-related conditions.

Literature cited by the submitters: PubMed 25640679.

NC_000001.10:g.(?_3102669)_(3348724_?)dup

Gene: PRDM16 (PR/SET domain 16; plus strand). Cytogenetic location: 1p36.32.
Variant type: Duplication.
Identifiers: ClinVar variation 3247829 (VCV003247829.1).